The following is an entry in ClinVar:

NM_032607.3(CREB3L3):c.523C>T (p.Arg175Ter)

Gene: CREB3L3 (cAMP responsive element binding protein 3 like 3; plus strand). Cytogenetic location: 19p13.3.
Variant type: single nucleotide variant.
Coding change: c.523C>T on transcript NM_032607.3 (MANE Select); coding-DNA position 523, C replaced by T.
Protein change: p.Arg175Ter; replaces arginine 175 with a stop codon.
Molecular consequence: nonsense.
Genome position (GRCh38, 1-based): chr19:4,159,729, C>T. VCF-style: chr19-4159729-C-T. GRCh37 (hg19) VCF-style: chr19-4159726-C-T.
Other names: c.520C>T, p.Arg174Ter (NM_001271995.2); c.523C>T, p.Arg175Ter (NM_001271996.2, NM_001271997.2); short protein forms R174*, R175*.
Identifiers: ClinVar variation 1678130 (VCV001678130.6), dbSNP rs531932249, ClinGen allele CA9091349.

ClinVar aggregate classification (germline): Pathogenic/Likely pathogenic. Review status: criteria provided, multiple submitters, no conflicts (2 of 4 stars). 2 submissions from 2 submitters: Pathogenic (1); Likely pathogenic (1). Last evaluated 2023-08-06.

Allele frequency attached by ClinVar (database versions not stated): 1000 Genomes Project 30x 0.00016; 1000 Genomes Project 0.00020.
gnomAD v4.1: 33 of 1,598,580 alleles (0.0021%); highest among the groups gnomAD compares: African/African-American, 0.011%; no homozygotes.

Submissions (2):

Labcorp Genetics (formerly Invitae), Labcorp
Classification: Pathogenic. Last evaluated: 2023-08-06. Review status: criteria provided, single submitter. Criteria: Invitae Variant Classification Sherloc (09022015). Collection method: clinical testing. Allele origin: germline.
Comment: This sequence change creates a premature translational stop signal (p.Arg175*) in the CREB3L3 gene. It is expected to result in an absent or disrupted protein product. Loss-of-function variants in CREB3L3 are known to be pathogenic (PMID: 21666694, 26427795). This variant is present in population databases (rs531932249, gnomAD 0.02%). This premature translational stop signal has been observed in individual(s) with clinical features of dyslipidemia (PMID: 32041611). ClinVar contains an entry for this variant (Variation ID: 1678130). For these reasons, this variant has been classified as Pathogenic.

AiLife Diagnostics
Classification: Likely pathogenic. Last evaluated: 2022-02-22. Review status: criteria provided, single submitter. Criteria: ACMG Guidelines, 2015. Collection method: clinical testing. Allele origin: germline. Affected: yes. Observed: 2 variant alleles.

Literature cited by the submitters: PubMed 21666694 (cited by Labcorp Genetics (formerly Invitae), Labcorp); PubMed 26427795 (cited by Labcorp Genetics (formerly Invitae), Labcorp); PubMed 32041611 (cited by Labcorp Genetics (formerly Invitae), Labcorp and AiLife Diagnostics).